The following is an entry in ClinVar:

NM_000283.4(PDE6B):c.1693G>A (p.Val565Met)

Gene: PDE6B (phosphodiesterase 6B; plus strand). Cytogenetic location: 4p16.3.
Variant type: single nucleotide variant.
Coding change: c.1693G>A on transcript NM_000283.4 (MANE Select); coding-DNA position 1693, G replaced by A.
Protein change: p.Val565Met; replaces valine 565 with methionine.
Molecular consequence: missense variant.
Genome position (GRCh38, 1-based): chr4:662,212, G>A. VCF-style: chr4-662212-G-A. GRCh37 (hg19) VCF-style: chr4-656001-G-A.
Other names: c.1693G>A, p.Val565Met (NM_001145291.2); c.856G>A, p.Val286Met (NM_001145292.2, NM_001350154.3, NM_001379246.1 and 1 more transcripts); c.538G>A, p.Val180Met (NM_001350155.3); short protein forms V286M, V180M, V565M.
Identifiers: ClinVar variation 3004118 (VCV003004118.3), dbSNP rs376023541, ClinGen allele CA91088713.
Genomic context (GRCh38, chr4:662,212, plus strand): 5'-TTCTCCATCAGCAAAGGGTACCGGAGAATCACCTACCACAACTGGCGCCACGGCTTCAAC[G>A]TGGCCCAGACGATGTTCACGCTGCTCATGGTACGTGGCTGCCAGAATCACCAGGGTTGTG-3'
Protein context (NP_000274.3, residues 555-575): TYHNWRHGFN[Val565Met]AQTMFTLLMT

ClinVar aggregate classification (germline): Uncertain significance (1 of 4 stars; one submission).

Allele frequency attached by ClinVar (database versions not stated): gnomAD exomes below 0.00001; gnomAD 0.00001; TOPMed 0.00001.
gnomAD v4.1: 4 of 1,573,712 alleles (0.00025%); highest among the groups gnomAD compares: East Asian, 0.0047%; no homozygotes.

Submission:

Labcorp Genetics (formerly Invitae), Labcorp
Classification: Uncertain significance. Last evaluated: 2023-10-20. Review status: criteria provided, single submitter. Criteria: Invitae Variant Classification Sherloc (09022015). Collection method: clinical testing. Allele origin: germline.
Comment: This sequence change replaces valine, which is neutral and non-polar, with methionine, which is neutral and non-polar, at codon 565 of the PDE6B protein (p.Val565Met). This variant is not present in population databases (gnomAD no frequency). This variant has not been reported in the literature in individuals affected with PDE6B-related conditions. Advanced modeling of protein sequence and biophysical properties (such as structural, functional, and spatial information, amino acid conservation, physicochemical variation, residue mobility, and thermodynamic stability) performed at Invitae indicates that this missense variant is expected to disrupt PDE6B protein function. In summary, the available evidence is currently insufficient to determine the role of this variant in disease. Therefore, it has been classified as a Variant of Uncertain Significance.